The following is an entry in ClinVar:

ClinVar aggregate classification (germline): Uncertain significance (1 of 4 stars; one submission).

Conditions:
Kleefstra syndrome 1 (KLEFS1). Identifiers: Orphanet 261494, MedGen C0795833, MONDO:0027407, OMIM 610253.

Allele frequency attached by ClinVar (database versions not stated): gnomAD exomes 0.00002; ExAC 0.00003; gnomAD 0.00001.
gnomAD v4.1: 14 of 1,612,614 alleles (0.00087%); highest among the groups gnomAD compares: Middle Eastern, 0.017%; no homozygotes.

Submission:

Labcorp Genetics (formerly Invitae), Labcorp
Classification: Uncertain significance for Kleefstra syndrome 1. Last evaluated: 2023-11-14. Review status: criteria provided, single submitter. Criteria: Invitae Variant Classification Sherloc (09022015). Collection method: clinical testing. Allele origin: germline.
Comment: This sequence change replaces serine, which is neutral and polar, with arginine, which is basic and polar, at codon 1255 of the EHMT1 protein (p.Ser1255Arg). This variant is present in population databases (rs750510906, gnomAD 0.004%). This variant has not been reported in the literature in individuals affected with EHMT1-related conditions. ClinVar contains an entry for this variant (Variation ID: 1020730). Advanced modeling of protein sequence and biophysical properties (such as structural, functional, and spatial information, amino acid conservation, physicochemical variation, residue mobility, and thermodynamic stability) performed at Invitae indicates that this missense variant is not expected to disrupt EHMT1 protein function with a negative predictive value of 80%. In summary, the available evidence is currently insufficient to determine the role of this variant in disease. Therefore, it has been classified as a Variant of Uncertain Significance.

NM_024757.5(EHMT1):c.3765C>G (p.Ser1255Arg)

Gene: EHMT1 (euchromatic histone lysine methyltransferase 1; plus strand). Cytogenetic location: 9q34.3.
Variant type: single nucleotide variant.
Coding change: c.3765C>G on transcript NM_024757.5 (MANE Select); coding-DNA position 3765, C replaced by G.
Protein change: p.Ser1255Arg; replaces serine 1255 with arginine.
Molecular consequence: missense variant.
Genome position (GRCh38, 1-based): chr9:137,834,821, C>G. VCF-style: chr9-137834821-C-G. GRCh37 (hg19) VCF-style: chr9-140729273-C-G.
Other names: c.3744C>G, p.Ser1248Arg (NM_001354263.2); short protein forms S1248R, S1255R.
Identifiers: ClinVar variation 1020730 (VCV001020730.9), dbSNP rs750510906, ClinGen allele CA5375467.